The following is an entry in ClinVar:

ClinVar aggregate classification (germline): Uncertain significance (1 of 4 stars; one submission).

Conditions:
Amyotrophic lateral sclerosis type 1 (ALS1). Also called: AMYOTROPHIC LATERAL SCLEROSIS 1, FAMILIAL. Identifiers: Orphanet 803, MedGen C1862939, MONDO:0007103, OMIM 105400.
Neuronopathy, distal hereditary motor, type 7B. Also called: NEURONOPATHY, DISTAL HEREDITARY MOTOR, AUTOSOMAL DOMINANT 14; NEURONOPATHY, DISTAL HEREDITARY MOTOR, HARDING TYPE VIIB; NEUROPATHY, DISTAL HEREDITARY MOTOR, HARDING TYPE VIIB; NEUROPATHY, DISTAL HEREDITARY MOTOR, WITH VOCAL CORD PARALYSIS, HARDING TYPE VIIB; HMN VIIB; LOWER MOTOR NEURON DISEASE, DYNACTIN TYPE. Identifiers: Orphanet 139589, MedGen C1843315, MONDO:0011879, OMIM 607641.
Perry syndrome. Also called: PARKINSONISM WITH ALVEOLAR HYPOVENTILATION AND MENTAL DEPRESSION. Identifiers: Orphanet 178509, MedGen C1868594, MONDO:0008201, OMIM 168605.

Allele frequency attached by ClinVar (database versions not stated): gnomAD 0.00001; gnomAD exomes 0.00001; ExAC 0.00002; 1000 Genomes Project 30x 0.00016; 1000 Genomes Project 0.00020.
gnomAD v4.1: 17 of 1,612,182 alleles (0.0011%); highest among the groups gnomAD compares: South Asian, 0.0088%; no homozygotes.

Submission:

Labcorp Genetics (formerly Invitae), Labcorp
Classification: Uncertain significance for Amyotrophic lateral sclerosis type 1; Neuronopathy, distal hereditary motor, type 7B; Perry syndrome. Last evaluated: 2022-04-19. Review status: criteria provided, single submitter. Criteria: Invitae Variant Classification Sherloc (09022015). Collection method: clinical testing. Allele origin: germline.
Comment: In summary, the available evidence is currently insufficient to determine the role of this variant in disease. Therefore, it has been classified as a Variant of Uncertain Significance. Algorithms developed to predict the effect of missense changes on protein structure and function are either unavailable or do not agree on the potential impact of this missense change (SIFT: "Deleterious"; PolyPhen-2: "Benign"; Align-GVGD: "Class C35"). This variant has not been reported in the literature in individuals affected with DCTN1-related conditions. This variant is present in population databases (rs138297224, gnomAD 0.01%). This sequence change replaces arginine, which is basic and polar, with glutamine, which is neutral and polar, at codon 25 of the DCTN1 protein (p.Arg25Gln).

NM_004082.5(DCTN1):c.74G>A (p.Arg25Gln)

Gene: DCTN1 (dynactin subunit 1; minus strand). Cytogenetic location: 2p13.1.
Variant type: single nucleotide variant.
Coding change: c.74G>A on transcript NM_004082.5 (MANE Select); coding-DNA position 74, G replaced by A.
Protein change: p.Arg25Gln; replaces arginine 25 with glutamine.
Molecular consequence: missense variant. On other transcripts: non-coding transcript variant (1).
Genome position (GRCh38, 1-based): chr2:74,378,205, C>T on the plus strand (G>A on the coding strand, the complement: DCTN1 is on the minus strand). VCF-style: chr2-74378205-C-T. GRCh37 (hg19) VCF-style: chr2-74605332-C-T.
Other names: c.74G>A, p.Arg25Gln (NM_001135040.3, NM_001190837.2); c.23G>A, p.Arg8Gln (NM_001190836.2, NM_001378991.1, NM_001378992.1); short protein forms R25Q, R8Q.
Identifiers: ClinVar variation 1961094 (VCV001961094.5), dbSNP rs138297224, ClinGen allele CA1722606.